The following is an entry in ClinVar:

NM_003724.4(JRK):c.1251C>T (p.His417=)

Gene: JRK (Jrk helix-turn-helix protein; minus strand). Cytogenetic location: 8q24.3.
Variant type: single nucleotide variant.
Coding change: c.1251C>T on transcript NM_003724.4 (MANE Select); coding-DNA position 1251, C replaced by T.
Protein change: p.His417=; no amino-acid change (histidine 417 retained).
Molecular consequence: synonymous variant.
Genome position (GRCh38, 1-based): chr8:142,664,808, G>A on the plus strand (C>T on the coding strand, the complement: JRK is on the minus strand). VCF-style: chr8-142664808-G-A. GRCh37 (hg19) VCF-style: chr8-143746227-G-A.
Other names: c.1251C>T, p.His417= (NM_001077527.3, NM_001279352.2).
Identifiers: ClinVar variation 2658884 (VCV002658884.24), dbSNP rs113155554, ClinGen allele CA4903219.

ClinVar aggregate classification (germline): Likely benign (1 of 4 stars; one submission).

Allele frequency attached by ClinVar (database versions not stated): gnomAD exomes 0.00011; ExAC 0.00028; 1000 Genomes Project 30x 0.00031; 1000 Genomes Project 0.00040; gnomAD 0.00043; TOPMed 0.00043; ESP Exome Variant Server 0.00089.
gnomAD v4.1: 238 of 1,597,840 alleles (0.015%); highest among the groups gnomAD compares: Middle Eastern, 0.25%; 1 homozygote.

Submission:

CeGaT Center for Human Genetics Tuebingen
Classification: Likely benign. Last evaluated: 2023-08-01. Review status: criteria provided, single submitter. Criteria: CeGaT Center For Human Genetics Tuebingen Variant Classification Criteria Version 2. Collection method: clinical testing. Allele origin: germline. Affected: yes. Observed: 1 variant allele.
Comment: JRK: BP4, BP7